The following is an entry in ClinVar:

ClinVar aggregate classification (germline): Likely benign. Review status: criteria provided, multiple submitters, no conflicts (2 of 4 stars). 2 submissions from 2 submitters: Likely benign (2). Last evaluated 2025-03-16.

Conditions:
Charcot-Marie-Tooth disease type 4. Also called: Charcot-Marie-Tooth disease, type IV; Charcot-Marie-Tooth, Type 4. Identifiers: Orphanet 64749, MedGen C4082197, MONDO:0018995.

Allele frequency attached by ClinVar (database versions not stated): gnomAD 0.00001; gnomAD exomes 0.00002; ExAC 0.00007.
gnomAD v4.1: 32 of 1,614,066 alleles (0.002%); highest among the groups gnomAD compares: South Asian, 0.033%; no homozygotes.

Submissions (2):

Labcorp Genetics (formerly Invitae), Labcorp
Classification: Likely benign for Charcot-Marie-Tooth disease type 4. Last evaluated: 2025-03-16. Review status: criteria provided, single submitter. Criteria: Invitae Variant Classification Sherloc (09022015). Collection method: clinical testing. Allele origin: germline.

CeGaT Center for Human Genetics Tuebingen
Classification: Likely benign. Last evaluated: 2025-03-01. Review status: criteria provided, single submitter. Criteria: CeGaT Center For Human Genetics Tuebingen Variant Classification Criteria Version 2. Collection method: clinical testing. Allele origin: germline. Affected: yes. Observed: 1 variant allele.
Comment: SBF2: BP4, BP7

NM_030962.4(SBF2):c.4209T>C (p.Gly1403=)

Genes: SBF2 (SET binding factor 2; minus strand), SBF2-AS1 (SBF2 antisense RNA 1; plus strand). Cytogenetic location: 11p15.4.
Variant type: single nucleotide variant.
Coding change: c.4209T>C on transcript NM_030962.4 (MANE Select); coding-DNA position 4209, T replaced by C.
Protein change: p.Gly1403=; no amino-acid change (glycine 1403 retained).
Molecular consequence: synonymous variant. On other transcripts: non-coding transcript variant (1).
Genome position (GRCh38, 1-based): chr11:9,808,949, A>G on the plus strand (T>C on the coding strand, the complement: SBF2 is on the minus strand). VCF-style: chr11-9808949-A-G. GRCh37 (hg19) VCF-style: chr11-9830496-A-G.
Other names: c.4305T>C, p.Gly1435= (NM_001386339.1); c.4080T>C, p.Gly1360= (NM_001386342.1).
Identifiers: ClinVar variation 2144893 (VCV002144893.11), dbSNP rs765140117, ClinGen allele CA5881021.